The following is an entry in ClinVar:

NM_000170.3(GLDC):c.637C>A (p.His213Asn)

Gene: GLDC (glycine decarboxylase; minus strand). Cytogenetic location: 9p24.1.
Variant type: single nucleotide variant.
Coding change: c.637C>A on transcript NM_000170.3 (MANE Select); coding-DNA position 637, C replaced by A.
Protein change: p.His213Asn; replaces histidine 213 with asparagine.
Molecular consequence: missense variant.
Genome position (GRCh38, 1-based): chr9:6,606,668, G>T on the plus strand (C>A on the coding strand, the complement: GLDC is on the minus strand). VCF-style: chr9-6606668-G-T. GRCh37 (hg19) VCF-style: chr9-6606668-G-T.
Other names: short protein forms H213N.
Identifiers: ClinVar variation 462889 (VCV000462889.7), dbSNP rs1210682949, ClinGen allele CA372897809.

ClinVar aggregate classification (germline): Uncertain significance. Review status: criteria provided, multiple submitters, no conflicts (2 of 4 stars). 3 submissions from 3 submitters: Uncertain significance (2). 1 of the submissions does not count toward it. Last evaluated 2023-07-07.

Conditions:
Glycine encephalopathy. Also called: Nonketotic hyperglycinemia; Non-ketotic hyperglycinemia. Identifiers: Orphanet 407, MedGen C0751748, MONDO:0011612, HP:0008288.

Allele frequency attached by ClinVar (database versions not stated): gnomAD exomes below 0.00001 and 0.00001.
gnomAD v4.1: 2 of 1,589,520 alleles (0.00013%); highest among the groups gnomAD compares: Non-Finnish European, 0.00017%; no homozygotes.

Submissions (3):

Labcorp Genetics (formerly Invitae), Labcorp
Classification: Uncertain significance for Glycine encephalopathy. Last evaluated: 2023-07-07. Review status: criteria provided, single submitter. Criteria: Invitae Variant Classification Sherloc (09022015). Collection method: clinical testing. Allele origin: germline.
Comment: In summary, the available evidence is currently insufficient to determine the role of this variant in disease. Therefore, it has been classified as a Variant of Uncertain Significance. An algorithm developed to predict the effect of missense changes on protein structure and function (PolyPhen-2) suggests that this variant¬†is likely to be tolerated. ClinVar contains an entry for this variant (Variation ID: 462889). This variant has not been reported in the literature in individuals affected with GLDC-related conditions. This variant is present in population databases (no rsID available, gnomAD 0.002%). This sequence change replaces histidine, which is basic and polar, with asparagine, which is neutral and polar, at codon 213 of the GLDC protein (p.His213Asn).

GeneDx
Classification: Uncertain significance. Last evaluated: 2023-06-29. Review status: criteria provided, single submitter. Criteria: GeneDx Variant Classification Process June 2021. Collection method: clinical testing. Allele origin: germline. Affected: yes.
Comment: Not observed at significant frequency in large population cohorts (gnomAD); In silico analysis supports that this missense variant does not alter protein structure/function; Has not been previously published as pathogenic or benign to our knowledge

Natera, Inc.
Classification: Uncertain significance for Non-ketotic hyperglycinemia. Last evaluated: 2020-09-16. Review status: no assertion criteria provided. Collection method: clinical testing. Allele origin: germline. Not counted in ClinVar's aggregate classification.